The following is an entry in ClinVar:

ClinVar aggregate classification (germline): Uncertain significance. Review status: criteria provided, multiple submitters, no conflicts (2 of 4 stars). 2 submissions from 2 submitters: Uncertain significance (2). Last evaluated 2025-07-01.

Conditions:
Hereditary cancer-predisposing syndrome. Also called: Tumor predisposition; Hereditary Cancer Syndrome; Hereditary neoplastic syndrome; Neoplastic Syndromes, Hereditary. Identifiers: Orphanet 140162, MedGen C0027672, MeSH D009386, MONDO:0015356.
Familial adenomatous polyposis 1 (FAP1). Also called: FAMILIAL ADENOMATOUS POLYPOSIS 1, ATTENUATED; POLYPOSIS, ADENOMATOUS INTESTINAL. Identifiers: MedGen C2713442, MONDO:0021056, OMIM 175100. Disease mechanism: loss of function.

Allele frequency attached by ClinVar (database versions not stated): gnomAD exomes below 0.00001 and 0.00001.
gnomAD v4.1: 12 of 1,613,414 alleles (0.00074%); highest among the groups gnomAD compares: South Asian, 0.011%; no homozygotes.

Submissions (2):

Labcorp Genetics (formerly Invitae), Labcorp
Classification: Uncertain significance for Familial adenomatous polyposis 1. Last evaluated: 2025-07-01. Review status: criteria provided, single submitter. Criteria: Invitae Variant Classification Sherloc (09022015). Collection method: clinical testing. Allele origin: germline.
Comment: This sequence change replaces alanine, which is neutral and non-polar, with valine, which is neutral and non-polar, at codon 2004 of the APC protein (p.Ala2004Val). This variant is present in population databases (no rsID available, gnomAD 0.003%). This variant has not been reported in the literature in individuals affected with APC-related conditions. ClinVar contains an entry for this variant (Variation ID: 1470291). Invitae Evidence Modeling of protein sequence and biophysical properties (such as structural, functional, and spatial information, amino acid conservation, physicochemical variation, residue mobility, and thermodynamic stability) indicates that this missense variant is not expected to disrupt APC protein function with a negative predictive value of 95%. In summary, the available evidence is currently insufficient to determine the role of this variant in disease. Therefore, it has been classified as a Variant of Uncertain Significance.

Ambry Genetics
Classification: Uncertain significance for Hereditary cancer-predisposing syndrome. Last evaluated: 2023-09-25. Review status: criteria provided, single submitter. Criteria: Ambry Variant Classification Scheme 2023. Collection method: clinical testing. Allele origin: germline.
Comment: The p.A2004V variant (also known as c.6011C>T), located in coding exon 15 of the APC gene, results from a C to T substitution at nucleotide position 6011. The alanine at codon 2004 is replaced by valine, an amino acid with similar properties. This amino acid position is conserved. In addition, in silico predictors for this gene do not accurately predict pathogenicity. Since supporting evidence is limited at this time, the clinical significance of this alteration remains unclear.

NM_000038.6(APC):c.6011C>T (p.Ala2004Val)

Gene: APC (APC regulator of Wnt signaling pathway; plus strand). Cytogenetic location: 5q22.2.
Variant type: single nucleotide variant.
Coding change: c.6011C>T on transcript NM_000038.6 (MANE Select); coding-DNA position 6011, C replaced by T.
Protein change: p.Ala2004Val; replaces alanine 2004 with valine.
Molecular consequence: missense variant.
Genome position (GRCh38, 1-based): chr5:112,841,605, C>T. VCF-style: chr5-112841605-C-T. GRCh37 (hg19) VCF-style: chr5-112177302-C-T.
Other names: c.6011C>T, p.Ala2004Val (NM_001127510.3, NM_001354895.2); c.5957C>T, p.Ala1986Val (NM_001127511.3); c.6065C>T, p.Ala2022Val (NM_001354896.2); c.6041C>T, p.Ala2014Val (NM_001354897.2); c.5936C>T, p.Ala1979Val (NM_001354898.2); c.5927C>T, p.Ala1976Val (NM_001354899.2); c.5888C>T, p.Ala1963Val (NM_001354900.2); c.5834C>T, p.Ala1945Val (NM_001354901.2); and 6 more; short protein forms A1721V, A1844V, A2022V, A1976V, A1979V, A1986V, A2004V, A2014V.
Identifiers: ClinVar variation 1470291 (VCV001470291.9), dbSNP rs1354338472, ClinGen allele CA16034489.